The following is an entry in ClinVar:

NM_004364.5(CEBPA):c.371C>A (p.Ala124Glu)

Gene: CEBPA (CCAAT enhancer binding protein alpha; minus strand). Cytogenetic location: 19q13.11.
Variant type: single nucleotide variant.
Coding change: c.371C>A on transcript NM_004364.5 (MANE Select); coding-DNA position 371, C replaced by A.
Protein change: p.Ala124Glu; replaces alanine 124 with glutamic acid.
Molecular consequence: missense variant.
Genome position (GRCh38, 1-based): chr19:33,302,044, G>T on the plus strand (C>A on the coding strand, the complement: CEBPA is on the minus strand). VCF-style: chr19-33302044-G-T. GRCh37 (hg19) VCF-style: chr19-33792950-G-T.
Other names: c.14C>A, p.Ala5Glu (NM_001285829.2); c.476C>A, p.Ala159Glu (NM_001287424.2); c.329C>A, p.Ala110Glu (NM_001287435.2); short protein forms A124E, A159E, A110E, A5E.
Identifiers: ClinVar variation 2789299 (VCV002789299.3), dbSNP rs2145262604, ClinGen allele CA405275091.

ClinVar aggregate classification (germline): Uncertain significance (1 of 4 stars; one submission).

Conditions:
Acute myeloid leukemia (AML). Also called: Acute myeloid leukemia, adult; AML adult; Acute non-lymphocytic leukemia; Acute granulocytic leukemia; Leukemia, acute myeloid, somatic; Leukemia, acute myelogenous, somatic. Identifiers: Orphanet 519, MedGen C0023467, MeSH D015470, MONDO:0018874, OMIM 601626, HP:0004808. Disease mechanism: Constitutively activated FLT3.

Submission:

Labcorp Genetics (formerly Invitae), Labcorp
Classification: Uncertain significance for Acute myeloid leukemia. Last evaluated: 2022-12-06. Review status: criteria provided, single submitter. Criteria: Invitae Variant Classification Sherloc (09022015). Collection method: clinical testing. Allele origin: germline.
Comment: In summary, the available evidence is currently insufficient to determine the role of this variant in disease. Therefore, it has been classified as a Variant of Uncertain Significance. Advanced modeling of protein sequence and biophysical properties (such as structural, functional, and spatial information, amino acid conservation, physicochemical variation, residue mobility, and thermodynamic stability) performed at Invitae indicates that this missense variant is not expected to disrupt CEBPA protein function. This variant has not been reported in the literature in individuals affected with CEBPA-related conditions. The frequency data for this variant in the population databases is considered unreliable, as metrics indicate insufficient coverage at this position in the gnomAD database. This sequence change replaces alanine, which is neutral and non-polar, with glutamic acid, which is acidic and polar, at codon 124 of the CEBPA protein (p.Ala124Glu).